The following is an entry in ClinVar:

ClinVar aggregate classification (germline): Uncertain significance (1 of 4 stars; one submission).

gnomAD v4.1: 26 of 901,906 alleles (0.0029%); highest among the groups gnomAD compares: Non-Finnish European, 0.0039%; no homozygotes.

Submission:

CeGaT Center for Human Genetics Tuebingen
Classification: Uncertain significance. Last evaluated: 2024-09-01. Review status: criteria provided, single submitter. Criteria: CeGaT Center For Human Genetics Tuebingen Variant Classification Criteria Version 2. Collection method: clinical testing. Allele origin: germline. Affected: yes. Observed: 1 variant allele.
Comment: RNU7-1: PM2, PM3

NR_023317.1(RNU7-1):n.31G>A

Genes: C12orf57 (chromosome 12 open reading frame 57; plus strand), RNU7-1 (RNA, U7 small nuclear 1; plus strand). Cytogenetic location: 12p13.31.
Variant type: single nucleotide variant.
Molecular consequence: non-coding transcript variant (on NR_023317.1). On other transcripts: intron variant (2).
Genome position: GRCh38 VCF-style: chr12-6943846-G-A. GRCh37 (hg19) VCF-style: chr12-7053009-G-A.
Other names: c.13+184G>A (NM_001301836.2); c.-16+184G>A (NM_001301834.1).
Identifiers: ClinVar variation 3389501 (VCV003389501.14).